The following is an entry in ClinVar:

ClinVar aggregate classification (germline): Uncertain significance (1 of 4 stars; one submission).

Conditions:
Joubert syndrome 15 (JBTS15). Identifiers: Orphanet 475, MedGen C3280897, MONDO:0013763, OMIM 614464.

Submission:

Labcorp Genetics (formerly Invitae), Labcorp
Classification: Uncertain significance for Joubert syndrome 15. Last evaluated: 2020-11-02. Review status: criteria provided, single submitter. Criteria: Invitae Variant Classification Sherloc (09022015). Collection method: clinical testing. Allele origin: germline.
Comment: This variant, c.1089_1091dup, results in the insertion of 1 amino acid(s) to the CEP41 protein (p.Ser364dup), but otherwise preserves the integrity of the reading frame. This variant is not present in population databases (ExAC no frequency). This variant has not been reported in the literature in individuals with CEP41-related conditions. ClinVar contains an entry for this variant (Variation ID: 956900). Algorithms developed to predict the effect of sequence changes on RNA splicing suggest that this variant may create or strengthen a splice site, but this prediction has not been confirmed by published transcriptional studies. In summary, the available evidence is currently insufficient to determine the role of this variant in disease. Therefore, it has been classified as a Variant of Uncertain Significance.

NM_018718.3(CEP41):c.1086CAG[3] (p.Ser364dup)

Gene: CEP41 (centrosomal protein 41; minus strand). Cytogenetic location: 7q32.2.
Variant type: Microsatellite.
Coding change: c.1086CAG[3] on transcript NM_018718.3 (MANE Select); three copies in a row of the 3-base unit CAG starting at c.1086; the reference has two copies in a row; one copy, 3 bases duplicated.
Protein change: p.Ser364dup; duplicates serine 364.
Molecular consequence: inframe insertion. On other transcripts: non-coding transcript variant (1).
Genome position (GRCh38, 1-based): chr7:130,398,922-130,398,924, CTG duplicated on the plus strand (CAG on the coding strand, the reverse complement: CEP41 is on the minus strand); duplicating any 3 consecutive bases within chr7:130,398,922-130,398,927 gives the same sequence; the position shown is the placement nearest the transcript's 3' end. VCF-style (leftmost placement, unchanged base first): chr7-130398921-A-ACTG. GRCh37 (hg19) VCF-style: chr7-130038762-A-ACTG.
Other names: c.870CAG[3], p.Ser292dup (NM_001257158.2); c.822CAG[3], p.Ser276dup (NM_001257159.2).
Identifiers: ClinVar variation 956900 (VCV000956900.9), dbSNP rs1796754986, ClinGen allele CA1743245038.